The following is an entry in ClinVar:

NM_005862.3(STAG1):c.1019A>C (p.His340Pro)

Gene: STAG1 (STAG1 cohesin complex component; minus strand). Cytogenetic location: 3q22.3.
Variant type: single nucleotide variant.
Coding change: c.1019A>C on transcript NM_005862.3 (MANE Select); coding-DNA position 1019, A replaced by C.
Protein change: p.His340Pro; replaces histidine 340 with proline.
Molecular consequence: missense variant.
Genome position (GRCh38, 1-based): chr3:136,477,296, T>G on the plus strand (A>C on the coding strand, the complement: STAG1 is on the minus strand). VCF-style: chr3-136477296-T-G. GRCh37 (hg19) VCF-style: chr3-136196138-T-G.
Other names: short protein forms H340P.
Identifiers: ClinVar variation 3371712 (VCV003371712.1).

ClinVar aggregate classification (germline): Uncertain significance (1 of 4 stars; one submission).

Submission:

GeneDx
Classification: Uncertain significance. Last evaluated: 2024-03-26. Review status: criteria provided, single submitter. Criteria: GeneDx Variant Classification Process June 2021. Collection method: clinical testing. Allele origin: germline. Affected: yes.
Comment: Has not been previously published as pathogenic or benign to our knowledge; Not observed at significant frequency in large population cohorts (gnomAD); In silico analysis supports that this missense variant has a deleterious effect on protein structure/function